The following is an entry in ClinVar:

ClinVar aggregate classification (germline): Uncertain significance. Review status: criteria provided, multiple submitters, no conflicts (2 of 4 stars). 2 submissions from 2 submitters: Uncertain significance (2). Last evaluated 2022-08-09.

Conditions:
Bethlem myopathy 2 (BTHLM2). Identifiers: Orphanet 536516, Orphanet 610, MedGen C4225313, MONDO:0034022, OMIM 616471.
Ullrich congenital muscular dystrophy 2 (UCMD2). Identifiers: Orphanet 75840, MedGen C4225314, MONDO:0014654, OMIM 616470.

Allele frequency attached by ClinVar (database versions not stated): gnomAD exomes 0.00001.
gnomAD v4.1: 2 of 1,612,242 alleles (0.00012%); highest among the groups gnomAD compares: Admixed American, 0.0033%; no homozygotes.

Submissions (2):

Labcorp Genetics (formerly Invitae), Labcorp
Classification: Uncertain significance for Bethlem myopathy 2; Ullrich congenital muscular dystrophy 2. Last evaluated: 2022-08-09. Review status: criteria provided, single submitter. Criteria: Invitae Variant Classification Sherloc (09022015). Collection method: clinical testing. Allele origin: germline.
Comment: This sequence change replaces isoleucine, which is neutral and non-polar, with phenylalanine, which is neutral and non-polar, at codon 2687 of the COL12A1 protein (p.Ile2687Phe). In summary, the available evidence is currently insufficient to determine the role of this variant in disease. Therefore, it has been classified as a Variant of Uncertain Significance. Algorithms developed to predict the effect of missense changes on protein structure and function are either unavailable or do not agree on the potential impact of this missense change (SIFT: "Deleterious"; PolyPhen-2: "Benign"; Align-GVGD: "Class C0"). ClinVar contains an entry for this variant (Variation ID: 450364). This variant has not been reported in the literature in individuals affected with COL12A1-related conditions. This variant is present in population databases (no rsID available, gnomAD 0.006%).

GeneDx
Classification: Uncertain significance. Last evaluated: 2017-07-03. Review status: criteria provided, single submitter. Criteria: GeneDx Variant Classification (06012015). Collection method: clinical testing. Allele origin: germline. Affected: yes.
Comment: The I2687F variant in the COL12A1 gene has not been reported previously as a pathogenic variant, nor as a benign variant, to our knowledge. The I2687F variant is not observed in large population cohorts (Lek et al., 2016; 1000 Genomes Consortium et al., 2015; Exome Variant Server). The I2687F variant is a conservative amino acid substitution, which is not likely to impact secondary protein structure as these residues share similar properties. This substitution occurs at a position where amino acids with similar properties to Isoleucine are tolerated across species. In silico analysis predicts this variant is probably damaging to the protein structure/function. We interpret I2687F as a variant of uncertain significance.

NM_004370.6(COL12A1):c.8059A>T (p.Ile2687Phe)

Gene: COL12A1 (collagen type XII alpha 1 chain; minus strand). Cytogenetic location: 6q13.
Variant type: single nucleotide variant.
Coding change: c.8059A>T on transcript NM_004370.6 (MANE Select); coding-DNA position 8059, A replaced by T.
Protein change: p.Ile2687Phe; replaces isoleucine 2687 with phenylalanine.
Molecular consequence: missense variant.
Genome position (GRCh38, 1-based): chr6:75,109,059, T>A on the plus strand (A>T on the coding strand, the complement: COL12A1 is on the minus strand). VCF-style: chr6-75109059-T-A. GRCh37 (hg19) VCF-style: chr6-75818775-T-A.
Other names: c.4567A>T, p.Ile1523Phe (NM_080645.3); short protein forms I2687F, I1523F.
Identifiers: ClinVar variation 450364 (VCV000450364.8), dbSNP rs1391973492, ClinGen allele CA364741539.